The following is an entry in ClinVar:

NM_015102.5(NPHP4):c.3131G>A (p.Arg1044His)

Gene: NPHP4 (nephrocystin 4; minus strand). Cytogenetic location: 1p36.31.
Variant type: single nucleotide variant.
Coding change: c.3131G>A on transcript NM_015102.5 (MANE Select); coding-DNA position 3131, G replaced by A.
Protein change: p.Arg1044His; replaces arginine 1044 with histidine.
Molecular consequence: missense variant. On other transcripts: non-coding transcript variant (1).
Genome position (GRCh38, 1-based): chr1:5,874,571, C>T on the plus strand (G>A on the coding strand, the complement: NPHP4 is on the minus strand). VCF-style: chr1-5874571-C-T. GRCh37 (hg19) VCF-style: chr1-5934631-C-T.
Other names: c.1592G>A, p.Arg531His (NM_001291593.2); c.1595G>A, p.Arg532His (NM_001291594.2); short protein forms R1044H, R531H, R532H.
Identifiers: ClinVar variation 592639 (VCV000592639.27), dbSNP rs375819124, ClinGen allele CA553785.

ClinVar aggregate classification (germline): Uncertain significance. Review status: criteria provided, multiple submitters, no conflicts (2 of 4 stars). 11 submissions from 10 submitters: Uncertain significance (11). Last evaluated 2025-09-09.

Conditions:
Nephronophthisis 4 (NPHP4). Also called: NEPHRONOPHTHISIS 4, JUVENILE. Identifiers: Orphanet 655, MedGen C1847013, MONDO:0011752, OMIM 606966.
Senior-Loken syndrome 4 (SLSN4). Identifiers: Orphanet 3156, MedGen C1846979, MONDO:0011756, OMIM 606996.
NPHP4-related disorder. Also called: NPHP4-related disorders; NPHP4-related condition. Identifiers: MedGen CN239384.
Nephronophthisis. Also called: Juvenile Nephronophthisis. Identifiers: Orphanet 655, MedGen C0687120, MONDO:0019005, HP:0000090.

Allele frequency attached by ClinVar (database versions not stated): ESP Exome Variant Server 0.00008; gnomAD 0.00017 and 0.00024; TOPMed 0.00022; 1000 Genomes Project 30x 0.00078; 1000 Genomes Project 0.00080.
gnomAD v4.1: 340 of 1,608,690 alleles (0.021%); highest among the groups gnomAD compares: Middle Eastern, 0.12%; 2 homozygotes.

Submissions (11):

PreventionGenetics, part of Exact Sciences
Classification: Uncertain significance for NPHP4-related condition. Last evaluated: 2025-09-09. Review status: criteria provided, single submitter. Criteria: ACMG Guidelines, 2015. Collection method: clinical testing. Allele origin: germline.
Comment: The NPHP4 c.3131G>A variant is predicted to result in the amino acid substitution p.Arg1044His. This variant has been reported in the homozygous state in three patients and heterozygous state in one patient with cardiovascular malformations (French et al. 2012. PubMed ID: 22550138). This variant is reported in 0.041% of alleles in individuals of South Asian descent in gnomAD. At this time, the clinical significance of this variant is uncertain due to the absence of conclusive functional and genetic evidence.

GeneDx
Classification: Uncertain significance. Last evaluated: 2025-06-20. Review status: criteria provided, single submitter. Criteria: GeneDx Variant Classification Process June 2021. Collection method: clinical testing. Allele origin: germline. Affected: yes.
Comment: Reported previously in the homozygous state in four individuals from a consanguineous family, all of whom had congenital heart malformations (PMID: 22550138); Reported in siblings with psychomotor retardation, spasticity, dystonia, and deafness whose phenotype was attributed to a variant in another gene; no renal findings were reported and zygosity and segregation information were not provided for the R1044H variant (PMID: 32346411); Published functional studies demonstrate a damaging effect: failure to rescue cardiac phenotype seen in zebrafish with nphp4 knockdown (PMID: 22550138); In silico analysis suggests that this missense variant does not alter protein structure/function; This variant is associated with the following publications: (PMID: 34426522, 22550138, 32346411)

Blueprint Genetics
Classification: Uncertain significance. Last evaluated: 2024-07-09. Review status: criteria provided, single submitter. Criteria: ACMG Guidelines, 2015. Collection method: clinical testing. Allele origin: germline.

Fulgent Genetics
Classification: Uncertain significance for Nephronophthisis 4; Senior-Loken syndrome 4. Last evaluated: 2024-04-04. Review status: criteria provided, single submitter. Criteria: ACMG Guidelines, 2015. Collection method: clinical testing. Allele origin: germline.

Genomic Medicine Center of Excellence, King Faisal Specialist Hospital and Research Centre
Classification: Uncertain significance for Nephronophthisis 4. Last evaluated: 2024-04-04. Review status: criteria provided, single submitter. Criteria: ACMG Guidelines, 2015. Collection method: clinical testing. Allele origin: germline.

Genetic Services Laboratory, University of Chicago
Classification: Uncertain significance. Last evaluated: 2023-03-27. Review status: criteria provided, single submitter. Criteria: ACMG Guidelines, 2015. Collection method: clinical testing. Allele origin: germline. Affected: no.
Comment: DNA sequence analysis of the NPHP4 gene demonstrated a sequence change, c.3131G>A, in exon 22 that results in an amino acid change, p.Arg1044His. This sequence change has been described in the gnomAD database with a frequency of 0.041% in the South Asian subpopulation (dbSNP rs375819124). The p.Arg1044His change affects a moderately conserved amino acid residue located in a domain of the NPHP4 protein that is not known to be functional. The p.Arg1044His substitution appears to be benign using several in-silico pathogenicity prediction tools (SIFT, PolyPhen2, Align GVGD, REVEL). This sequence change has been previously described in the homozygous state in a consanguineous family with congenital heart malformations (PMID:22550138). Due to insufficient evidence and the lack of functional studies, the clinical significance of the p.Arg1044His change remains unknown at this time.

Labcorp Genetics (formerly Invitae), Labcorp
Classification: Uncertain significance for Nephronophthisis. Last evaluated: 2022-11-01. Review status: criteria provided, single submitter. Criteria: Invitae Variant Classification Sherloc (09022015). Collection method: clinical testing. Allele origin: germline.
Comment: This sequence change replaces arginine, which is basic and polar, with histidine, which is basic and polar, at codon 1044 of the NPHP4 protein (p.Arg1044His). This variant is present in population databases (rs375819124, gnomAD 0.04%). This variant has not been reported in the literature in individuals affected with NPHP4-related conditions. ClinVar contains an entry for this variant (Variation ID: 592639). Advanced modeling of protein sequence and biophysical properties (such as structural, functional, and spatial information, amino acid conservation, physicochemical variation, residue mobility, and thermodynamic stability) performed at Invitae indicates that this missense variant is not expected to disrupt NPHP4 protein function. In summary, the available evidence is currently insufficient to determine the role of this variant in disease. Therefore, it has been classified as a Variant of Uncertain Significance.

Eurofins Ntd Llc (ga)
Classification: Uncertain significance. Last evaluated: 2018-01-08. Review status: criteria provided, single submitter. Criteria: EGL Classification Definitions 2015. Collection method: clinical testing. Allele origin: germline. Observed: 3 variant alleles, 3 heterozygotes.

Illumina Laboratory Services, Illumina
Classification: Uncertain significance for Nephronophthisis 4. Last evaluated: 2017-04-28. Review status: criteria provided, single submitter. Criteria: ICSL Variant Classification Criteria 13 December 2019. Collection method: clinical testing. Allele origin: germline.

Illumina Laboratory Services, Illumina
Classification: Uncertain significance for Senior-Loken syndrome 4. Last evaluated: 2017-04-28. Review status: criteria provided, single submitter. Criteria: ICSL Variant Classification Criteria 13 December 2019. Collection method: clinical testing. Allele origin: germline.

Breakthrough Genomics
Classification: Uncertain significance. Review status: criteria provided, single submitter. Criteria: ACMG Guidelines, 2015. Collection method: not provided. Allele origin: germline. Inheritance: Autosomal recessive inheritance. Affected: yes.